The following is an entry in ClinVar:

NM_017934.7(PHIP):c.1239A>G (p.Gln413=)

Gene: PHIP (PHIP subunit of CUL4-Ring ligase complex; minus strand). Cytogenetic location: 6q14.1.
Variant type: single nucleotide variant.
Coding change: c.1239A>G on transcript NM_017934.7 (MANE Select); coding-DNA position 1239, A replaced by G.
Protein change: p.Gln413=; no amino-acid change (glutamine 413 retained).
Molecular consequence: synonymous variant.
Genome position (GRCh38, 1-based): chr6:79,015,780, T>C on the plus strand (A>G on the coding strand, the complement: PHIP is on the minus strand). VCF-style: chr6-79015780-T-C. GRCh37 (hg19) VCF-style: chr6-79725497-T-C.
Identifiers: ClinVar variation 4986948 (VCV004986948.1).

ClinVar aggregate classification (germline): Uncertain significance (1 of 4 stars; one submission).

Conditions:
PHIP-related disorder. Also called: PHIP-related disorders; PHIP-related condition.

gnomAD v4.1: 8 of 1,607,468 alleles (0.0005%); highest among the groups gnomAD compares: East Asian, 0.0089%; no homozygotes.

Submission:

PreventionGenetics, part of Exact Sciences
Classification: Uncertain significance for PHIP-related condition. Last evaluated: 2026-07-20. Review status: criteria provided, single submitter. Criteria: ACMG Guidelines, 2015. Collection method: clinical testing. Allele origin: germline.
Comment: The PHIP c.1239A>G variant is not predicted to result in an amino acid change (p.=). This variant is predicted to alter splicing based on available splicing prediction programs (SpliceAI, Jaganathan et al. 2019. PubMed ID: 30661751). However, the use of computer prediction programs is not equivalent to functional evidence. To our knowledge, this variant has not been reported in the literature. This variant has been reported in 1 heterozygous individual within the ‘other’ subpopulation in gnomAD. At this time, the clinical significance of this variant is uncertain due to the absence of conclusive functional and genetic evidence.